The following is an entry in ClinVar:

ClinVar aggregate classification (germline): Uncertain significance (1 of 4 stars; one submission).

Conditions:
Nephronophthisis 15 (NPHP15). Identifiers: Orphanet 3156, MedGen C3541853, MONDO:0013917, OMIM 614845.

Allele frequency attached by ClinVar (database versions not stated): gnomAD exomes below 0.00001.
gnomAD v4.1: 5 of 1,614,164 alleles (0.00031%); highest among the groups gnomAD compares: Admixed American, 0.005%; no homozygotes.

Submission:

Labcorp Genetics (formerly Invitae), Labcorp
Classification: Uncertain significance for Nephronophthisis 15. Last evaluated: 2022-06-23. Review status: criteria provided, single submitter. Criteria: Invitae Variant Classification Sherloc (09022015). Collection method: clinical testing. Allele origin: germline.
Comment: This variant has not been reported in the literature in individuals affected with CEP164-related conditions. This sequence change replaces threonine, which is neutral and polar, with isoleucine, which is neutral and non-polar, at codon 329 of the CEP164 protein (p.Thr329Ile). This variant is present in population databases (no rsID available, gnomAD 0.009%). Algorithms developed to predict the effect of missense changes on protein structure and function output the following: SIFT: "Tolerated"; PolyPhen-2: "Benign"; Align-GVGD: "Class C0". The isoleucine amino acid residue is found in multiple mammalian species, which suggests that this missense change does not adversely affect protein function. In summary, the available evidence is currently insufficient to determine the role of this variant in disease. Therefore, it has been classified as a Variant of Uncertain Significance.

NM_014956.5(CEP164):c.986C>T (p.Thr329Ile)

Gene: CEP164 (centrosomal protein 164; plus strand). Cytogenetic location: 11q23.3.
Variant type: single nucleotide variant.
Coding change: c.986C>T on transcript NM_014956.5 (MANE Select); coding-DNA position 986, C replaced by T.
Protein change: p.Thr329Ile; replaces threonine 329 with isoleucine.
Molecular consequence: missense variant.
Genome position (GRCh38, 1-based): chr11:117,371,300, C>T. VCF-style: chr11-117371300-C-T. GRCh37 (hg19) VCF-style: chr11-117242016-C-T.
Other names: c.986C>T, p.Thr329Ile (NM_001271933.2); short protein forms T329I.
Identifiers: ClinVar variation 1959364 (VCV001959364.4), dbSNP rs1204143779, ClinGen allele CA382737591.